The following is an entry in ClinVar:

ClinVar aggregate classification (germline): Uncertain significance (1 of 4 stars; one submission).

Conditions:
Spinocerebellar ataxia type 5 (SCA5). Identifiers: Orphanet 98766, MedGen C0752123, MONDO:0010848, OMIM 600224.

Submission:

Centre for Mendelian Genomics, University Medical Centre Ljubljana
Classification: Uncertain significance for Spinocerebellar ataxia type 5. Last evaluated: 2019-08-22. Review status: criteria provided, single submitter. Criteria: ACMG Guidelines, 2015. Collection method: clinical testing. Allele origin: unknown. Affected: yes.
Comment: This variant was classified as: Uncertain significance. The available evidence on this variant's pathogenicity is insufficient or conflicting. The following ACMG criteria were applied in classifying this variant: PM2.

NM_006946.4(SPTBN2):c.5504C>T (p.Ala1835Val)

Gene: SPTBN2 (spectrin beta, non-erythrocytic 2; minus strand). Cytogenetic location: 11q13.2.
Variant type: single nucleotide variant.
Coding change: c.5504C>T on transcript NM_006946.4 (MANE Select); coding-DNA position 5504, C replaced by T.
Protein change: p.Ala1835Val; replaces alanine 1835 with valine.
Molecular consequence: missense variant.
Genome position (GRCh38, 1-based): chr11:66,691,345, G>A on the plus strand (C>T on the coding strand, the complement: SPTBN2 is on the minus strand). VCF-style: chr11-66691345-G-A. GRCh37 (hg19) VCF-style: chr11-66458816-G-A.
Other names: short protein forms A1835V.
Identifiers: ClinVar variation 930560 (VCV000930560.3), dbSNP rs1940531426, ClinGen allele CA381464835.
Genomic context (GRCh38, chr11:66,691,345, plus strand): 5'-TGGGGGCTGAGGGCCTGAATGTCATGCTCGTAGGCACAGTGTCGGCGCTGCAGGGCCTCG[G>A]CAGCGTTGAGGTCGCGGCCAGTCCCGTCCGGAAGCTGCTGCTGCTTGTGCTGCACCCGCG-3'
Protein context (NP_008877.2, residues 1825-1845): PDGTGRDLNA[Ala1835Val]EALQRRHCAY